The following is an entry in ClinVar:

ClinVar aggregate classification (germline): Uncertain significance (1 of 4 stars; one submission).

Conditions:
Hyperphosphatasia with impaired intellectual development syndrome 2. Also called: Hyperphosphatasia with intellectual disability syndrome 2; GLYCOSYLPHOSPHATIDYLINOSITOL BIOSYNTHESIS DEFECT 6. Identifiers: Orphanet 247262, MedGen C3553637, MONDO:0013882, OMIM 614749.

Allele frequency attached by ClinVar (database versions not stated): gnomAD exomes below 0.00001.

Submission:

Labcorp Genetics (formerly Invitae), Labcorp
Classification: Uncertain significance for Hyperphosphatasia with impaired intellectual development syndrome 2. Last evaluated: 2019-08-21. Review status: criteria provided, single submitter. Criteria: Invitae Variant Classification Sherloc (09022015). Collection method: clinical testing. Allele origin: germline.
Comment: In summary, the available evidence is currently insufficient to determine the role of this variant in disease. Therefore, it has been classified as a Variant of Uncertain Significance. Algorithms developed to predict the effect of missense changes on protein structure and function are either unavailable or do not agree on the potential impact of this missense change (SIFT: "Tolerated"; PolyPhen-2: "Probably Damaging"; Align-GVGD: "Class C0"). This variant has not been reported in the literature in individuals with PIGO-related conditions. This variant is not present in population databases (ExAC no frequency). This sequence change replaces phenylalanine with leucine at codon 195 of the PIGO protein (p.Phe195Leu). The phenylalanine residue is moderately conserved and there is a small physicochemical difference between phenylalanine and leucine.

NM_032634.4(PIGO):c.583T>C (p.Phe195Leu)

Gene: PIGO (phosphatidylinositol glycan anchor biosynthesis class O; minus strand). Cytogenetic location: 9p13.3.
Variant type: single nucleotide variant.
Coding change: c.583T>C on transcript NM_032634.4 (MANE Select); coding-DNA position 583, T replaced by C.
Protein change: p.Phe195Leu; replaces phenylalanine 195 with leucine.
Molecular consequence: missense variant.
Genome position (GRCh38, 1-based): chr9:35,094,288, A>G on the plus strand (T>C on the coding strand, the complement: PIGO is on the minus strand). VCF-style: chr9-35094288-A-G. GRCh37 (hg19) VCF-style: chr9-35094285-A-G.
Other names: c.583T>C, p.Phe195Leu (NM_001201484.2, NM_152850.4); short protein forms F195L.
Identifiers: ClinVar variation 939921 (VCV000939921.7), dbSNP rs1421287635, ClinGen allele CA373323967.